The following is an entry in ClinVar:

NM_005188.4(CBL):c.1129A>G (p.Thr377Ala)

Gene: CBL (Cbl proto-oncogene; plus strand). Cytogenetic location: 11q23.3.
Variant type: single nucleotide variant.
Coding change: c.1129A>G on transcript NM_005188.4 (MANE Select); coding-DNA position 1129, A replaced by G.
Protein change: p.Thr377Ala; replaces threonine 377 with alanine.
Molecular consequence: missense variant.
Genome position (GRCh38, 1-based): chr11:119,278,199, A>G. VCF-style: chr11-119278199-A-G. GRCh37 (hg19) VCF-style: chr11-119148909-A-G.
Other names: short protein forms T377A.
Identifiers: ClinVar variation 162832 (VCV000162832.7), dbSNP rs727502914, ClinGen allele CA175402.

ClinVar aggregate classification (germline): Uncertain significance. Review status: criteria provided, multiple submitters, no conflicts (2 of 4 stars). 2 submissions from 2 submitters: Uncertain significance (2). Last evaluated 2018-09-07.

Conditions:
Inborn genetic diseases. Identifiers: MedGen C0950123, MeSH D030342.

Allele frequency attached by ClinVar (database versions not stated): gnomAD exomes below 0.00001.
gnomAD v4.1: 1 of 1,610,700 alleles (0.000062%); highest among the groups gnomAD compares: Non-Finnish European, 0.000085%; no homozygotes.

Submissions (2):

Ambry Genetics
Classification: Uncertain significance for Inborn genetic diseases. Last evaluated: 2018-09-07. Review status: criteria provided, single submitter. Criteria: Ambry exome assertion method (8-5-2015). Collection method: clinical testing. Allele origin: germline. Affected: yes. Observed: 1 variant allele.

Laboratory for Molecular Medicine, Mass General Brigham Personalized Medicine
Classification: Uncertain significance. Last evaluated: 2014-09-25. Review status: criteria provided, single submitter. Criteria: LMM Criteria. Collection method: clinical testing. Allele origin: germline. Observed: 3 variant alleles.
Comment: Variant classified as Uncertain Significance - Favor Benign. The Thr377Ala varia nt in CBL has been previously identified by our laboratory in 2 siblings with a RASopathy, both of whom also carried a likely pathogenic variant in CBL on the o ther allele (in trans configuration). In addition, these individuals' affected p arent carried the likely pathogenic variant, while these individuals' reportedly unaffected parent carried the Thr377Ala variant. It was also absent from large population studies. Computational prediction tools and conservation analysis su ggest that this variant may impact the protein, though this information is not p redictive enough to determine pathogenicity. In summary, while the clinical sign ificance of the Thr377Ala variant is uncertain, it is more likely benign since h omozygous or compound heterozygous pathogenic variants in the CBL gene are thoug ht to be incapable with life. However, the current knowledge about this gene and its role in disease is limited and, therefore, at this time it cannot be determ ined if this is a mild variant which plays some role in disease.

Literature cited by the submitters: PubMed 25952305 (cited by Ambry Genetics).